The following is an entry in ClinVar:

ClinVar aggregate classification (germline): Uncertain significance (1 of 4 stars; one submission).

Conditions:
Werner syndrome (WRN). Identifiers: Orphanet 902, MedGen C0043119, MONDO:0010196, OMIM 277700.

Submission:

Labcorp Genetics (formerly Invitae), Labcorp
Classification: Uncertain significance for Werner syndrome. Last evaluated: 2023-04-19. Review status: criteria provided, single submitter. Criteria: Invitae Variant Classification Sherloc (09022015). Collection method: clinical testing. Allele origin: germline.
Comment: In summary, the available evidence is currently insufficient to determine the role of this variant in disease. Therefore, it has been classified as a Variant of Uncertain Significance. This sequence change replaces glutamic acid, which is acidic and polar, with glycine, which is neutral and non-polar, at codon 563 of the WRN protein (p.Glu563Gly). This variant is not present in population databases (gnomAD no frequency). This variant has not been reported in the literature in individuals affected with WRN-related conditions. ClinVar contains an entry for this variant (Variation ID: 956232). An algorithm developed to predict the effect of missense changes on protein structure and function (PolyPhen-2) suggests that this variant is likely to be disruptive.

NM_000553.6(WRN):c.1688A>G (p.Glu563Gly)

Gene: WRN (WRN RecQ like helicase; plus strand). Cytogenetic location: 8p12.
Variant type: single nucleotide variant.
Coding change: c.1688A>G on transcript NM_000553.6 (MANE Select); coding-DNA position 1688, A replaced by G.
Protein change: p.Glu563Gly; replaces glutamic acid 563 with glycine.
Molecular consequence: missense variant.
Genome position (GRCh38, 1-based): chr8:31,090,500, A>G. VCF-style: chr8-31090500-A-G. GRCh37 (hg19) VCF-style: chr8-30948016-A-G.
Other names: short protein forms E563G.
Identifiers: ClinVar variation 956232 (VCV000956232.6), dbSNP rs1813704488, ClinGen allele CA370926965.